The following is an entry in ClinVar:

ClinVar aggregate classification (germline): Uncertain significance (1 of 4 stars; one submission).

Conditions:
Hereditary spastic paraplegia 11. Also called: SPASTIC PARAPLEGIA, AUTOSOMAL RECESSIVE, COMPLICATED, WITH THIN CORPUS CALLOSUM; SPASTIC PARAPLEGIA, AUTOSOMAL RECESSIVE, WITH MENTAL IMPAIRMENT AND THIN CORPUS CALLOSUM; Spastic paraplegia, mental retardation and thin corpus callosum; Nakamura Osame syndrome; Autosomal recessive hereditary spastic paraplegia, mental impairment, and thin corpus callosum; Spastic Paraplegia 11. Identifiers: Orphanet 2822, MedGen C1858479, MONDO:0011445, OMIM 604360.

Allele frequency attached by ClinVar (database versions not stated): TOPMed 0.00001; ExAC 0.00001; gnomAD 0.00001; gnomAD exomes 0.00001.
gnomAD v4.1: 23 of 1,613,388 alleles (0.0014%); highest among the groups gnomAD compares: South Asian, 0.0044%; no homozygotes.

Submission:

Labcorp Genetics (formerly Invitae), Labcorp
Classification: Uncertain significance for Hereditary spastic paraplegia 11. Last evaluated: 2024-03-04. Review status: criteria provided, single submitter. Criteria: Invitae Variant Classification Sherloc (09022015). Collection method: clinical testing. Allele origin: germline.
Comment: This sequence change replaces arginine, which is basic and polar, with glutamine, which is neutral and polar, at codon 1041 of the SPG11 protein (p.Arg1041Gln). The frequency data for this variant in the population databases is considered unreliable, as metrics indicate poor data quality at this position in the gnomAD database. This variant has not been reported in the literature in individuals affected with SPG11-related conditions. ClinVar contains an entry for this variant (Variation ID: 657248). Advanced modeling of protein sequence and biophysical properties (such as structural, functional, and spatial information, amino acid conservation, physicochemical variation, residue mobility, and thermodynamic stability) performed at Invitae indicates that this missense variant is not expected to disrupt SPG11 protein function with a negative predictive value of 80%. Algorithms developed to predict the effect of sequence changes on RNA splicing suggest that this variant may disrupt the consensus splice site. In summary, the available evidence is currently insufficient to determine the role of this variant in disease. Therefore, it has been classified as a Variant of Uncertain Significance.

NM_025137.4(SPG11):c.3122G>A (p.Arg1041Gln)

Gene: SPG11 (SPG11 vesicle trafficking associated, spatacsin; minus strand). Cytogenetic location: 15q21.1.
Variant type: single nucleotide variant.
Coding change: c.3122G>A on transcript NM_025137.4 (MANE Select); coding-DNA position 3122, G replaced by A.
Protein change: p.Arg1041Gln; replaces arginine 1041 with glutamine.
Molecular consequence: missense variant.
Genome position (GRCh38, 1-based): chr15:44,613,453, C>T on the plus strand (G>A on the coding strand, the complement: SPG11 is on the minus strand). VCF-style: chr15-44613453-C-T. GRCh37 (hg19) VCF-style: chr15-44905651-C-T.
Other names: c.3122G>A, p.Arg1041Gln (NM_001160227.2); short protein forms R1041Q.
Identifiers: ClinVar variation 657248 (VCV000657248.8), dbSNP rs746703646, ClinGen allele CA7535062.